The following is an entry in ClinVar:

NM_015102.5(NPHP4):c.1031G>T (p.Arg344Leu)

Gene: NPHP4 (nephrocystin 4; minus strand). Cytogenetic location: 1p36.31.
Variant type: single nucleotide variant.
Coding change: c.1031G>T on transcript NM_015102.5 (MANE Select); coding-DNA position 1031, G replaced by T.
Protein change: p.Arg344Leu; replaces arginine 344 with leucine.
Molecular consequence: missense variant. On other transcripts: 5 prime UTR variant (2), non-coding transcript variant (1).
Genome position (GRCh38, 1-based): chr1:5,947,192, C>A on the plus strand (G>T on the coding strand, the complement: NPHP4 is on the minus strand). VCF-style: chr1-5947192-C-A. GRCh37 (hg19) VCF-style: chr1-6007252-C-A.
Other names: c.-336G>T (NM_001291593.2, NM_001291594.2); short protein forms R344L.
Identifiers: ClinVar variation 2119807 (VCV002119807.4), dbSNP rs757868037, ClinGen allele CA338064185.

ClinVar aggregate classification (germline): Uncertain significance (1 of 4 stars; one submission).

Conditions:
Nephronophthisis. Also called: Juvenile Nephronophthisis. Identifiers: Orphanet 655, MedGen C0687120, MONDO:0019005, HP:0000090.

gnomAD v4.1: 1 of 1,613,814 alleles (0.000062%); highest among the groups gnomAD compares: Non-Finnish European, 0.000085%; no homozygotes.

Submission:

Labcorp Genetics (formerly Invitae), Labcorp
Classification: Uncertain significance for Nephronophthisis. Last evaluated: 2023-08-24. Review status: criteria provided, single submitter. Criteria: Invitae Variant Classification Sherloc (09022015). Collection method: clinical testing. Allele origin: germline.
Comment: This sequence change replaces arginine, which is basic and polar, with leucine, which is neutral and non-polar, at codon 344 of the NPHP4 protein (p.Arg344Leu). This variant is not present in population databases (gnomAD no frequency). This variant has not been reported in the literature in individuals affected with NPHP4-related conditions. ClinVar contains an entry for this variant (Variation ID: 2119807). Advanced modeling of protein sequence and biophysical properties (such as structural, functional, and spatial information, amino acid conservation, physicochemical variation, residue mobility, and thermodynamic stability) performed at Invitae indicates that this missense variant is expected to disrupt NPHP4 protein function. In summary, the available evidence is currently insufficient to determine the role of this variant in disease. Therefore, it has been classified as a Variant of Uncertain Significance.